The following is an entry in ClinVar:

ClinVar aggregate classification (germline): Uncertain significance (1 of 4 stars; one submission).

Submission:

GeneDx
Classification: Uncertain significance. Last evaluated: 2019-11-12. Review status: criteria provided, single submitter. Criteria: GeneDx Variant Classification Process June 2021. Collection method: clinical testing. Allele origin: germline. Affected: yes.
Comment: Not observed in large population cohorts (Lek et al., 2016); In silico analysis, which includes protein predictors and evolutionary conservation, supports a deleterious effect; Has not been previously published as pathogenic or benign to our knowledge

NM_001271.4(CHD2):c.2933A>T (p.Asp978Val)

Genes: CHD2 (chromodomain helicase DNA binding protein 2; plus strand), LOC126862230 (P300/CBP strongly-dependent group 1 enhancer GRCh37_chr15:93523977-93525176; plus strand). Cytogenetic location: 15q26.1.
Variant type: single nucleotide variant.
Coding change: c.2933A>T on transcript NM_001271.4 (MANE Select); coding-DNA position 2933, A replaced by T.
Protein change: p.Asp978Val; replaces aspartic acid 978 with valine.
Molecular consequence: missense variant.
Genome position (GRCh38, 1-based): chr15:92,980,871, A>T. VCF-style: chr15-92980871-A-T. GRCh37 (hg19) VCF-style: chr15-93524101-A-T.
Other names: short protein forms D978V.
Identifiers: ClinVar variation 1310331 (VCV001310331.2), dbSNP rs2141846388, ClinGen allele CA393894720.